The following is an entry in ClinVar:

NM_006514.4(SCN10A):c.1621G>A (p.Gly541Arg)

Gene: SCN10A (sodium voltage-gated channel alpha subunit 10; minus strand). Cytogenetic location: 3p22.2.
Variant type: single nucleotide variant.
Coding change: c.1621G>A on transcript NM_006514.4 (MANE Select); coding-DNA position 1621, G replaced by A.
Protein change: p.Gly541Arg; replaces glycine 541 with arginine.
Molecular consequence: missense variant. On other transcripts: intron variant (1).
Genome position (GRCh38, 1-based): chr3:38,752,353, C>T on the plus strand (G>A on the coding strand, the complement: SCN10A is on the minus strand). VCF-style: chr3-38752353-C-T. GRCh37 (hg19) VCF-style: chr3-38793844-C-T.
Other names: c.1621G>A, p.Gly541Arg (NM_001293306.2); c.1462-2169G>A (NM_001293307.2); short protein forms G541R.
Identifiers: ClinVar variation 1447343 (VCV001447343.11), dbSNP rs1315864029, ClinGen allele CA352167373.
Genomic context (GRCh38, chr3:38,752,353, plus strand): 5'-CAGGGTTGCTGGGTTGAGGAAGAGGGCTTCTAGGGAGGGGGCCTTGCTGGCCAGCACCCC[C>T]ACCCAGCAGCAGAGAGCCCCGATGGCTTTCGTGGTCTCCAGGAAAGACTCCATCATCTGT-3'
Protein context (NP_006505.4, residues 531-551): ESHRGSLLLG[Gly541Arg]GAGQQGPLPR

ClinVar aggregate classification (germline): Conflicting classifications of pathogenicity. Review status: criteria provided, conflicting classifications (1 of 4 stars). 3 submissions from 3 submitters: Uncertain significance (1); Likely benign (2). Last evaluated 2025-09-11.

Conditions:
Cardiovascular phenotype. Identifiers: MedGen CN230736.
Brugada syndrome. Also called: Sudden unexplained nocturnal death syndrome; Sudden unexpected nocturnal death syndrome; Sudden Unexplained Death Syndrome; Sudden Unexplained Nocturnal Death Syndrome (SUNDS). Identifiers: Orphanet 130, MedGen C1142166, MONDO:0015263.

Allele frequency attached by ClinVar (database versions not stated): gnomAD exomes below 0.00001.
gnomAD v4.1: 14 of 1,613,824 alleles (0.00087%); highest among the groups gnomAD compares: Non-Finnish European, 0.0012%; no homozygotes.

Submissions (3):

Labcorp Genetics (formerly Invitae), Labcorp
Classification: Uncertain significance for Brugada syndrome. Last evaluated: 2025-09-11. Review status: criteria provided, single submitter. Criteria: Invitae Variant Classification Sherloc (09022015). Collection method: clinical testing. Allele origin: germline.
Comment: This sequence change replaces glycine, which is neutral and non-polar, with arginine, which is basic and polar, at codon 541 of the SCN10A protein (p.Gly541Arg). This variant is present in population databases (no rsID available, gnomAD 0.0009%). This variant has not been reported in the literature in individuals affected with SCN10A-related conditions. ClinVar contains an entry for this variant (Variation ID: 1447343). Invitae Evidence Modeling of protein sequence and biophysical properties (such as structural, functional, and spatial information, amino acid conservation, physicochemical variation, residue mobility, and thermodynamic stability) indicates that this missense variant is not expected to disrupt SCN10A protein function with a negative predictive value of 95%. In summary, the available evidence is currently insufficient to determine the role of this variant in disease. Therefore, it has been classified as a Variant of Uncertain Significance.

Ambry Genetics
Classification: Likely benign for Cardiovascular phenotype. Last evaluated: 2024-09-30. Review status: criteria provided, single submitter. Criteria: Ambry Variant Classification Scheme 2023. Collection method: clinical testing. Allele origin: germline.

Blueprint Genetics
Classification: Likely benign. Last evaluated: 2022-12-20. Review status: criteria provided, single submitter. Criteria: ACMG Guidelines, 2015. Collection method: clinical testing. Allele origin: germline.